The following is an entry in ClinVar:

NM_198253.3(TERT):c.2098C>T (p.Gln700Ter)

Gene: TERT (telomerase reverse transcriptase; minus strand). Cytogenetic location: 5p15.33.
Variant type: single nucleotide variant.
Coding change: c.2098C>T on transcript NM_198253.3 (MANE Select); coding-DNA position 2098, C replaced by T.
Protein change: p.Gln700Ter; replaces glutamine 700 with a stop codon.
Molecular consequence: nonsense. On other transcripts: non-coding transcript variant (2).
Genome position (GRCh38, 1-based): chr5:1,279,323, G>A on the plus strand (C>T on the coding strand, the complement: TERT is on the minus strand). VCF-style: chr5-1279323-G-A. GRCh37 (hg19) VCF-style: chr5-1279438-G-A.
Other names: c.2098C>T, p.Gln700Ter (NM_001193376.3); short protein forms Q700*.
Identifiers: ClinVar variation 242222 (VCV000242222.8), dbSNP rs878855300, ClinGen allele CA10582353.

ClinVar aggregate classification (germline): Pathogenic (1 of 4 stars; one submission).

Conditions:
Idiopathic Pulmonary Fibrosis. Also called: Idiopathic fibrosing alveolitis, chronic form; idiopathic fibrosing alveolitis. Identifiers: Orphanet 2032, MedGen C1800706, MeSH D054990, MONDO:0800504.
Dyskeratosis congenita, autosomal dominant 2. Identifiers: MedGen C3151443, MONDO:0013521, OMIM 613989.

gnomAD v4.1: 1 of 1,585,630 alleles (0.000063%); highest among the groups gnomAD compares: Non-Finnish European, 0.000086%; no homozygotes.

Submission:

Labcorp Genetics (formerly Invitae), Labcorp
Classification: Pathogenic for Dyskeratosis congenita, autosomal dominant 2; Idiopathic Pulmonary Fibrosis. Last evaluated: 2022-07-03. Review status: criteria provided, single submitter. Criteria: Invitae Variant Classification Sherloc (09022015). Collection method: clinical testing. Allele origin: germline.
Comment: For these reasons, this variant has been classified as Pathogenic. ClinVar contains an entry for this variant (Variation ID: 242222). This variant has not been reported in the literature in individuals affected with TERT-related conditions. This variant is not present in population databases (gnomAD no frequency). This sequence change creates a premature translational stop signal (p.Gln700*) in the TERT gene. It is expected to result in an absent or disrupted protein product. Loss-of-function variants in TERT are known to be pathogenic (PMID: 16247010, 17460043).

Literature cited by the submitters: PubMed 16247010; PubMed 17460043.